The following is an entry in ClinVar:

NM_005881.4(BCKDK):c.1216C>G (p.Arg406Gly)

Gene: BCKDK (branched chain keto acid dehydrogenase kinase; plus strand). Cytogenetic location: 16p11.2.
Variant type: single nucleotide variant.
Coding change: c.1216C>G on transcript NM_005881.4 (MANE Select); coding-DNA position 1216, C replaced by G.
Protein change: p.Arg406Gly; replaces arginine 406 with glycine.
Molecular consequence: missense variant. On other transcripts: 3 prime UTR variant (2).
Genome position (GRCh38, 1-based): chr16:31,112,242, C>G. VCF-style: chr16-31112242-C-G. GRCh37 (hg19) VCF-style: chr16-31123563-C-G.
Other names: c.*211C>G (NM_001122957.4, NM_001271926.3); c.1216C>G (NM_005881.2); short protein forms R406G.
Identifiers: ClinVar variation 3571865 (VCV003571865.2).
Genomic context (GRCh38, chr16:31,112,242, plus strand): 5'-CTGCAGTCCCTGCAGGGCATTGGCACGGACGTCTACCTGCGGCTCCGCCACATCGATGGC[C>G]GGGAGGAAAGCTTCCGGATCTGACCCCACAGCCTTTGGCCTGCTCACCCGACCAGCCTGG-3'
Protein context (NP_005872.2, residues 396-412): VYLRLRHIDG[Arg406Gly]EESFRI

ClinVar aggregate classification (germline): Uncertain significance. Review status: criteria provided, multiple submitters, no conflicts (2 of 4 stars). 2 submissions from 2 submitters: Uncertain significance (2). Last evaluated 2025-10-29.

Conditions:
Inborn genetic diseases. Identifiers: MedGen C0950123, MeSH D030342.

gnomAD v4.1: 14 of 1,610,398 alleles (0.00087%); highest among the groups gnomAD compares: Admixed American, 0.023%; no homozygotes.

Submissions (2):

Ambry Genetics
Classification: Uncertain significance for Inborn genetic diseases. Last evaluated: 2025-10-29. Review status: criteria provided, single submitter. Criteria: Ambry Variant Classification Scheme 2023. Collection method: clinical testing. Allele origin: germline.

Athena Diagnostics
Classification: Uncertain significance. Last evaluated: 2024-11-21. Review status: criteria provided, single submitter. Criteria: Athena Diagnostics Criteria. Collection method: clinical testing. Allele origin: unknown.
Comment: Available data are insufficient to determine the clinical significance of the variant at this time. The frequency of this variant in the general population is uninformative in assessment of its pathogenicity. Polyphen and MutationTaster predict this amino acid change may be benign.